The following is an entry in ClinVar:

ClinVar aggregate classification (germline): Uncertain significance (1 of 4 stars; one submission).

Allele frequency attached by ClinVar (database versions not stated): gnomAD 0.00013.
gnomAD v4.1: 256 of 1,601,890 alleles (0.016%); highest among the groups gnomAD compares: Non-Finnish European, 0.02%; no homozygotes.

Submission:

Ambry Genetics
Classification: Uncertain significance. Last evaluated: 2024-11-22. Review status: criteria provided, single submitter. Criteria: Ambry Variant Classification Scheme 2023. Collection method: clinical testing. Allele origin: germline.
Comment: The p.P1478R variant (also known as c.4433C>G), located in coding exon 19 of the WNK2 gene, results from a C to G substitution at nucleotide position 4433. The proline at codon 1478 is replaced by arginine, an amino acid with dissimilar properties. This amino acid position is conserved. In addition, this alteration is predicted to be tolerated by in silico analysis. Based on the available evidence, the clinical significance of this variant remains unclear.

NM_006648.4(WNK2):c.4433C>G (p.Pro1478Arg)

Gene: WNK2 (WNK lysine deficient protein kinase 2; plus strand). Cytogenetic location: 9q22.31.
Variant type: single nucleotide variant.
Coding change: c.4433C>G on transcript NM_006648.4 (MANE Select); coding-DNA position 4433, C replaced by G.
Protein change: p.Pro1478Arg; replaces proline 1478 with arginine.
Molecular consequence: missense variant.
Genome position (GRCh38, 1-based): chr9:93,289,187, C>G. VCF-style: chr9-93289187-C-G. GRCh37 (hg19) VCF-style: chr9-96051469-C-G.
Other names: c.4544C>G, p.Pro1515Arg (NM_001282394.3); short protein forms P1478R, P1515R.
Identifiers: ClinVar variation 2373620 (VCV002373620.3), dbSNP rs547984904, ClinGen allele CA5130323.